The following is an entry in ClinVar:

NM_001160148.2(DDHD1):c.2097G>C (p.Lys699Asn)

Gene: DDHD1 (DDHD domain containing 1; minus strand). Cytogenetic location: 14q22.1.
Variant type: single nucleotide variant.
Coding change: c.2097G>C on transcript NM_001160148.2 (MANE Select); coding-DNA position 2097, G replaced by C.
Protein change: p.Lys699Asn; replaces lysine 699 with asparagine.
Molecular consequence: missense variant.
Genome position (GRCh38, 1-based): chr14:53,055,808, C>G on the plus strand (G>C on the coding strand, the complement: DDHD1 is on the minus strand). VCF-style: chr14-53055808-C-G. GRCh37 (hg19) VCF-style: chr14-53522526-C-G.
Other names: c.2118G>C, p.Lys706Asn (NM_001160147.2); c.2097G>C, p.Lys699Asn (NM_030637.3); short protein forms K699N, K706N.
Identifiers: ClinVar variation 1713332 (VCV001713332.5), dbSNP rs2503053523, ClinGen allele CA389771350.

ClinVar aggregate classification (germline): Uncertain significance (1 of 4 stars; one submission).

Conditions:
Hereditary spastic paraplegia 28. Also called: Spastic paraplegia 28, autosomal recessive. Identifiers: Orphanet 101008, MedGen C1836295, MONDO:0012256, OMIM 609340.

Submission:

Labcorp Genetics (formerly Invitae), Labcorp
Classification: Uncertain significance for Hereditary spastic paraplegia 28. Last evaluated: 2022-07-22. Review status: criteria provided, single submitter. Criteria: Invitae Variant Classification Sherloc (09022015). Collection method: clinical testing. Allele origin: germline.
Comment: This sequence change replaces lysine, which is basic and polar, with asparagine, which is neutral and polar, at codon 706 of the DDHD1 protein (p.Lys706Asn). This variant is not present in population databases (gnomAD no frequency). This variant has not been reported in the literature in individuals affected with DDHD1-related conditions. Algorithms developed to predict the effect of missense changes on protein structure and function are either unavailable or do not agree on the potential impact of this missense change (SIFT: "Deleterious"; PolyPhen-2: "Probably Damaging"; Align-GVGD: "Class C0"). In summary, the available evidence is currently insufficient to determine the role of this variant in disease. Therefore, it has been classified as a Variant of Uncertain Significance.